The following is an entry in ClinVar:

NM_005359.6(SMAD4):c.582A>G (p.Thr194=)

Gene: SMAD4 (SMAD family member 4; plus strand). Cytogenetic location: 18q21.2.
Variant type: single nucleotide variant.
Coding change: c.582A>G on transcript NM_005359.6 (MANE Select); coding-DNA position 582, A replaced by G.
Protein change: p.Thr194=; no amino-acid change (threonine 194 retained).
Molecular consequence: synonymous variant.
Genome position (GRCh38, 1-based): chr18:51,054,908, A>G. VCF-style: chr18-51054908-A-G. GRCh37 (hg19) VCF-style: chr18-48581278-A-G.
Identifiers: ClinVar variation 380411 (VCV000380411.24), dbSNP rs145805120, ClinGen allele CA8965834.

ClinVar aggregate classification (germline): Benign/Likely benign. Review status: criteria provided, multiple submitters, no conflicts (2 of 4 stars). 11 submissions from 11 submitters: Benign (3); Likely benign (8). Last evaluated 2026-01-08.

Conditions:
Familial thoracic aortic aneurysm and aortic dissection (TAAD). Also called: Thoracic aortic aneurysms and dissections. Identifiers: Orphanet 91387, MedGen C4707243, MONDO:0019625.
Hereditary cancer-predisposing syndrome. Also called: Tumor predisposition; Neoplastic Syndromes, Hereditary; Hereditary neoplastic syndrome; Hereditary Cancer Syndrome. Identifiers: Orphanet 140162, MedGen C0027672, MeSH D009386, MONDO:0015356.
Juvenile polyposis syndrome (JPS). Identifiers: Orphanet 2929, MedGen C0345893, MONDO:0017380, OMIM 174900.
Juvenile polyposis/hereditary hemorrhagic telangiectasia syndrome (JPHT). Also called: JP/HHT SYNDROME; JUVENILE POLYPOSIS WITH HEREDITARY HEMORRHAGIC TELANGIECTASIA; POLYPOSIS, GENERALIZED JUVENILE, WITH PULMONARY ARTERIOVENOUS MALFORMATION; TELANGIECTASIA, HEREDITARY HEMORRHAGIC, WITH JUVENILE POLYPOSIS COLI; Juvenile Polyposis Syndrome / Hereditary Hemorrhagic Telangiectasia (JPS/HHT). Identifiers: Orphanet 2929, MedGen C1832942, MONDO:0008278, OMIM 175050.

Allele frequency attached by ClinVar (database versions not stated): gnomAD exomes 0.00002 and 0.00008; ExAC 0.00011; gnomAD 0.00012 and 0.00016; ESP Exome Variant Server 0.00015; TOPMed 0.00020; 1000 Genomes Project 0.00120; 1000 Genomes Project 30x 0.00141.
gnomAD v4.1: 53 of 1,614,180 alleles (0.0033%); highest among the groups gnomAD compares: African/African-American, 0.053%; no homozygotes.

Submissions (11):

Labcorp Genetics (formerly Invitae), Labcorp
Classification: Likely benign for Juvenile polyposis syndrome. Last evaluated: 2026-01-08. Review status: criteria provided, single submitter. Criteria: Invitae Variant Classification Sherloc (09022015). Collection method: clinical testing. Allele origin: germline.

Myriad Genetics, Inc.
Classification: Benign for Juvenile polyposis/hereditary hemorrhagic telangiectasia syndrome. Last evaluated: 2025-03-19. Review status: criteria provided, single submitter. Criteria: Myriad Autosomal Dominant, Autosomal Recessive and X-Linked Classification Criteria (2023). Collection method: clinical testing. Allele origin: unknown.
Comment: This variant is considered benign. This variant is a silent/synonymous amino acid change and it is not expected to impact splicing.

Blueprint Genetics
Classification: Likely benign. Last evaluated: 2024-07-04. Review status: criteria provided, single submitter. Criteria: ACMG Guidelines, 2015. Collection method: clinical testing. Allele origin: germline.

All of Us Research Program, National Institutes of Health
Classification: Likely benign for Juvenile polyposis/hereditary hemorrhagic telangiectasia syndrome. Last evaluated: 2024-01-11. Review status: criteria provided, single submitter. Criteria: ACMG Guidelines, 2015. Collection method: clinical testing. Allele origin: germline. Inheritance: Autosomal dominant inheritance. Observed: 16 variant alleles, 16 heterozygotes.
Comment: This study involves interpretation of variants in research participants for the purpose of population health screening. Participant phenotype was not available at the time of variant classification. Additional details can be found in publication PMID: 35346344, PMCID: PMC8962531

GeneDx
Classification: Likely benign. Last evaluated: 2021-05-27. Review status: criteria provided, single submitter. Criteria: GeneDx Variant Classification Process June 2021. Collection method: clinical testing. Allele origin: germline. Affected: yes.

Sema4
Classification: Benign for Hereditary cancer-predisposing syndrome. Last evaluated: 2021-04-23. Review status: criteria provided, single submitter. Criteria: Sema4 Curation Guidelines. Collection method: curation. Allele origin: germline.

PreventionGenetics, part of Exact Sciences
Classification: Likely benign. Last evaluated: 2017-05-25. Review status: criteria provided, single submitter. Criteria: ACMG Guidelines, 2015. Collection method: clinical testing. Allele origin: germline.

Quest Diagnostics Nichols Institute San Juan Capistrano
Classification: Likely benign. Last evaluated: 2017-05-23. Review status: criteria provided, single submitter. Criteria: Quest Diagnostics criteria. Collection method: clinical testing. Allele origin: germline.

Color Diagnostics, LLC DBA Color Health
Classification: Likely benign for Hereditary cancer-predisposing syndrome. Last evaluated: 2016-12-02. Review status: criteria provided, single submitter. Criteria: ACMG Guidelines, 2015. Collection method: clinical testing. Allele origin: germline.

Women's Health and Genetics/Laboratory Corporation of America, LabCorp
Classification: Benign. Last evaluated: 2016-05-03. Review status: criteria provided, single submitter. Criteria: LabCorp Variant Classification Summary - May 2015. Collection method: clinical testing. Allele origin: germline.
Comment: Variant summary: The SMAD4 c.582A>G variant affects a non-conserved nucleotide, resulting in a synonymous change. Mutation Taster predicts a damaging outcome for this variant. This variant was found in 13/121412 control chromosomes at a frequency of 0.0001071, which is about 54 times the maximal expected frequency of a pathogenic SMAD4 allele (0.000002), suggesting this variant is benign. The variant of interest has not, to our knowledge, been reported in affected individuals via publications and/or reputable databases/clinical laboratories; nor evaluated for functional impact by in vivo/vitro studies. Taken together, this variant was classified as benign.

Ambry Genetics
Classification: Likely benign for Hereditary cancer-predisposing syndrome; Familial thoracic aortic aneurysm and aortic dissection. Last evaluated: 2015-08-07. Review status: criteria provided, single submitter. Criteria: Ambry Variant Classification Scheme 2023. Collection method: clinical testing. Allele origin: germline.